The following is an entry in ClinVar:

NM_033130.5(SIGLEC10):c.945T>C (p.Ala315=)

Genes: SIGLEC10 (sialic acid binding Ig like lectin 10; minus strand), SIGLEC10-AS1 (SIGLEC10 antisense RNA 1; plus strand). Cytogenetic location: 19q13.41.
Variant type: single nucleotide variant.
Coding change: c.945T>C on transcript NM_033130.5 (MANE Select); coding-DNA position 945, T replaced by C.
Protein change: p.Ala315=; no amino-acid change (alanine 315 retained).
Molecular consequence: synonymous variant. On other transcripts: non-coding transcript variant (2), intron variant (2).
Genome position (GRCh38, 1-based): chr19:51,415,977, A>G on the plus strand (T>C on the coding strand, the complement: SIGLEC10 is on the minus strand). VCF-style: chr19-51415977-A-G. GRCh37 (hg19) VCF-style: chr19-51919231-A-G.
Other names: c.771T>C, p.Ala257= (NM_001171156.2, NM_001171159.2); c.945T>C, p.Ala315= (NM_001171157.2); c.801T>C, p.Ala267= (NM_001171158.2); c.580+333T>C (NM_001171161.2); c.754+333T>C (NM_001322105.2).
Identifiers: ClinVar variation 2650374 (VCV002650374.24), dbSNP rs112584540, ClinGen allele CA9612107.

ClinVar aggregate classification (germline): Likely benign (1 of 4 stars; one submission).

Allele frequency attached by ClinVar (database versions not stated): 1000 Genomes Project 0.00379; 1000 Genomes Project 30x 0.00484; gnomAD exomes 0.00669; ExAC 0.00802; gnomAD 0.00865.
gnomAD v4.1: 11,044 of 1,597,556 alleles (0.69%); highest among the groups gnomAD compares: Middle Eastern, 0.97%; 114 homozygotes.

Submission:

CeGaT Center for Human Genetics Tuebingen
Classification: Likely benign. Last evaluated: 2026-06-01. Review status: criteria provided, single submitter. Criteria: CeGaT Center For Human Genetics Tuebingen Variant Classification Criteria Version 2. Collection method: clinical testing. Allele origin: germline. Affected: yes. Observed: 5 variant alleles.
Comment: SIGLEC10: BP4, BP7, BS2